The following is an entry in ClinVar:

NM_015192.4(PLCB1):c.2988T>C (p.Ala996=)

Gene: PLCB1 (phospholipase C beta 1; plus strand). Cytogenetic location: 20p12.3.
Variant type: single nucleotide variant.
Coding change: c.2988T>C on transcript NM_015192.4 (MANE Select); coding-DNA position 2988, T replaced by C.
Protein change: p.Ala996=; no amino-acid change (alanine 996 retained).
Molecular consequence: synonymous variant.
Genome position (GRCh38, 1-based): chr20:8,774,596, T>C. VCF-style: chr20-8774596-T-C. GRCh37 (hg19) VCF-style: chr20-8755243-T-C.
Other names: p.Ala996=; c.2988T>C, p.Ala996= (NM_182734.3).
Identifiers: ClinVar variation 129910 (VCV000129910.33), dbSNP rs2235613, ClinGen allele CA154279.
Genomic context (GRCh38, chr20:8,774,596, plus strand): 5'-CAGATCGGAACCCAGCAGCCCTGATCATGGTTCATCAACGATTGAGCAAGACCTCGCTGC[T>C]CTGGATGCTGAAATGACCCAAAAGTTAATAGACTTGAAGGACAAACAACAGCAGCAGCTG-3'
Protein context (NP_056007.1, residues 986-1006): GSSTIEQDLA[Ala996=]LDAEMTQKLI

ClinVar aggregate classification (germline): Benign/Likely benign. Review status: criteria provided, multiple submitters, no conflicts (2 of 4 stars). 13 submissions from 13 submitters: Benign (11); Likely benign (1). 1 of the submissions does not count toward it. Last evaluated 2026-02-04.

Conditions:
Inborn genetic diseases. Identifiers: MedGen C0950123, MeSH D030342.
Developmental and epileptic encephalopathy, 12 (DEE12). Identifiers: MedGen C3150988, MONDO:0013389, OMIM 613722.

Allele frequency attached by ClinVar (database versions not stated): gnomAD exomes 0.60725 and 0.62852; 1000 Genomes Project 30x 0.61227; 1000 Genomes Project 0.61322; ExAC 0.61550; TOPMed 0.61848; gnomAD 0.62539 and 0.62736; ESP Exome Variant Server 0.64024.
gnomAD v4.1: 1,014,772 of 1,613,212 alleles (63%); highest among the groups gnomAD compares: South Asian, 74%; 322,005 homozygotes.

Submissions (13):

Labcorp Genetics (formerly Invitae), Labcorp
Classification: Benign for Developmental and epileptic encephalopathy, 12. Last evaluated: 2026-02-04. Review status: criteria provided, single submitter. Criteria: Invitae Variant Classification Sherloc (09022015). Collection method: clinical testing. Allele origin: germline.

Blueprint Genetics
Classification: Likely benign. Last evaluated: 2024-11-28. Review status: criteria provided, single submitter. Criteria: ACMG Guidelines, 2015. Collection method: clinical testing. Allele origin: germline.

Unidad de Genómica Garrahan, Hospital de Pediatría Garrahan
Classification: Benign. Last evaluated: 2024-07-15. Review status: criteria provided, single submitter. Criteria: ACMG Guidelines, 2015. Collection method: clinical testing. Allele origin: germline. Affected: no. Observed: 61 variant alleles.
Comment: This variant is classified as Benign based on local population frequency. This variant was detected in 66% of patients studied in a panel designed for Epileptic and Developmental Encephalopathy and Progressive Myoclonus Epilepsy. Number of patients: 61. Only high quality variants are reported.

Genome-Nilou Lab
Classification: Benign for Developmental and epileptic encephalopathy, 12. Last evaluated: 2021-09-05. Review status: criteria provided, single submitter. Criteria: ACMG Guidelines, 2015. Collection method: clinical testing. Allele origin: germline. Affected: no.

GeneDx
Classification: Benign. Last evaluated: 2019-08-19. Review status: criteria provided, single submitter. Criteria: GeneDx Variant Classification Process June 2021. Collection method: clinical testing. Allele origin: germline. Affected: yes.

Mayo Clinic Laboratories, Mayo Clinic
Classification: Benign. Last evaluated: 2018-04-02. Review status: criteria provided, single submitter. Criteria: ACMG Guidelines, 2015. Collection method: clinical testing. Allele origin: germline. Observed: 482 variant alleles.

Athena Diagnostics
Classification: Benign. Last evaluated: 2017-04-20. Review status: criteria provided, single submitter. Criteria: Athena Diagnostics Criteria. Collection method: clinical testing. Allele origin: germline.

Ambry Genetics
Classification: Benign for Inborn genetic diseases. Last evaluated: 2016-01-08. Review status: criteria provided, single submitter. Criteria: Ambry Variant Classification Scheme 2023. Collection method: clinical testing. Allele origin: germline.

Genome Diagnostics Laboratory, University Medical Center Utrecht
Classification: Benign for Developmental and epileptic encephalopathy, 12. Last evaluated: 2014-10-10. Review status: criteria provided, single submitter. Criteria: ACGS Guidelines, 2013. Collection method: clinical testing. Allele origin: germline. Affected: yes. Study: VKGL Data-share Consensus.

Genetic Services Laboratory, University of Chicago
Classification: Benign for AllHighlyPenetrant. Last evaluated: 2013-04-25. Review status: criteria provided, single submitter. Criteria: ACMG Guidelines, 2007. Collection method: clinical testing. Allele origin: germline. Inheritance: Autosomal recessive inheritance.

Breakthrough Genomics
Classification: Benign. Review status: criteria provided, single submitter. Criteria: ACMG Guidelines, 2015. Collection method: not provided. Allele origin: germline. Inheritance: Autosomal recessive inheritance. Affected: yes.

PreventionGenetics, part of Exact Sciences
Classification: Benign. Review status: criteria provided, single submitter. Criteria: ACMG Guidelines, 2015. Collection method: clinical testing. Allele origin: germline.

Diagnostic Laboratory, Department of Genetics, University Medical Center Groningen
Classification: Benign for Developmental and epileptic encephalopathy, 12. Review status: no assertion criteria provided. Collection method: clinical testing. Allele origin: germline. Affected: yes. Study: VKGL Data-share Consensus. Not counted in ClinVar's aggregate classification.